The following is an entry in ClinVar:

ClinVar aggregate classification (germline): Uncertain significance. Review status: criteria provided, multiple submitters, no conflicts (2 of 4 stars). 3 submissions from 3 submitters: Uncertain significance (2). 1 of the submissions does not count toward it. Last evaluated 2023-07-10.

Conditions:
WDPCP-related disorder. Also called: WDPCP-related condition.
Heart defect - tongue hamartoma - polysyndactyly syndrome. Also called: Congenital heart defects, hamartomas of tongue, and polysyndactyly. Identifiers: Orphanet 1338, MedGen C1857587, MONDO:0009008, OMIM 217085.
Bardet-Biedl syndrome 15 (BBS15). Identifiers: Orphanet 110, MedGen C3150127, MONDO:0014443, OMIM 615992.
Bardet-Biedl syndrome (BBS). Identifiers: Orphanet 110, MedGen C0752166, MONDO:0015229.

Allele frequency attached by ClinVar (database versions not stated): 1000 Genomes Project 0.00040; gnomAD exomes 0.00005; TOPMed 0.00009; ESP Exome Variant Server 0.00025; gnomAD 0.00029; 1000 Genomes Project 30x 0.00031.
gnomAD v4.1: 101 of 1,613,134 alleles (0.0063%); highest among the groups gnomAD compares: East Asian, 0.049%; no homozygotes.

Submissions (3):

Labcorp Genetics (formerly Invitae), Labcorp
Classification: Uncertain significance for Bardet-Biedl syndrome. Last evaluated: 2023-07-10. Review status: criteria provided, single submitter. Criteria: Invitae Variant Classification Sherloc (09022015). Collection method: clinical testing. Allele origin: germline.
Comment: In summary, the available evidence is currently insufficient to determine the role of this variant in disease. Therefore, it has been classified as a Variant of Uncertain Significance. Advanced modeling of protein sequence and biophysical properties (such as structural, functional, and spatial information, amino acid conservation, physicochemical variation, residue mobility, and thermodynamic stability) performed at Invitae indicates that this missense variant is expected to disrupt WDPCP protein function. ClinVar contains an entry for this variant (Variation ID: 216694). This variant has not been reported in the literature in individuals affected with WDPCP-related conditions. This variant is present in population databases (rs141845729, gnomAD 0.03%). This sequence change replaces phenylalanine, which is neutral and non-polar, with valine, which is neutral and non-polar, at codon 577 of the WDPCP protein (p.Phe577Val).

Fulgent Genetics
Classification: Uncertain significance for Heart defect - tongue hamartoma - polysyndactyly syndrome; Bardet-Biedl syndrome 15. Last evaluated: 2022-04-17. Review status: criteria provided, single submitter. Criteria: ACMG Guidelines, 2015. Collection method: clinical testing. Allele origin: unknown.

PreventionGenetics, part of Exact Sciences
Classification: Uncertain significance for WDPCP-related condition. Last evaluated: 2024-09-07. Review status: no assertion criteria provided. Collection method: clinical testing. Allele origin: germline. Not counted in ClinVar's aggregate classification.
Comment: The WDPCP c.1729T>G variant is predicted to result in the amino acid substitution p.Phe577Val. To our knowledge, this variant has not been reported in the literature. This variant is reported in 0.037% of alleles in individuals of African descent in gnomAD. At this time, the clinical significance of this variant is uncertain due to the absence of conclusive functional and genetic evidence.

NM_015910.7(WDPCP):c.1729T>G (p.Phe577Val)

Gene: WDPCP (WD repeat containing planar cell polarity effector; minus strand). Cytogenetic location: 2p15.
Variant type: single nucleotide variant.
Coding change: c.1729T>G on transcript NM_015910.7 (MANE Select); coding-DNA position 1729, T replaced by G.
Protein change: p.Phe577Val; replaces phenylalanine 577 with valine.
Molecular consequence: missense variant. On other transcripts: non-coding transcript variant (3).
Genome position (GRCh38, 1-based): chr2:63,378,405, A>C on the plus strand (T>G on the coding strand, the complement: WDPCP is on the minus strand). VCF-style: chr2-63378405-A-C. GRCh37 (hg19) VCF-style: chr2-63605540-A-C.
Other names: c.1252T>G, p.Phe418Val (NM_001042692.3); c.1657T>G, p.Phe553Val (NM_001354044.2); c.1729T>G, p.Phe577Val (NM_001354045.2); short protein forms F577V, F553V, F418V.
Identifiers: ClinVar variation 216694 (VCV000216694.10), dbSNP rs141845729, ClinGen allele CA335709.